The following is an entry in ClinVar:

ClinVar aggregate classification (germline): Uncertain significance (1 of 4 stars; one submission).

Conditions:
Capillary malformation-arteriovenous malformation syndrome. Also called: Capillary malformation-arteriovenous malformation. Identifiers: Orphanet 137667, MedGen C1842180, MONDO:0012016.

Allele frequency attached by ClinVar (database versions not stated): gnomAD 0.00001; TOPMed 0.00002.
gnomAD v4.1: 2 of 1,614,226 alleles (0.00012%); highest among the groups gnomAD compares: African/African-American, 0.0027%; no homozygotes.

Submission:

Labcorp Genetics (formerly Invitae), Labcorp
Classification: Uncertain significance for Capillary malformation-arteriovenous malformation syndrome. Last evaluated: 2024-02-24. Review status: criteria provided, single submitter. Criteria: Invitae Variant Classification Sherloc (09022015). Collection method: clinical testing. Allele origin: germline.
Comment: This sequence change affects codon 151 of the RASA1 mRNA. It is a 'silent' change, meaning that it does not change the encoded amino acid sequence of the RASA1 protein. This variant is not present in population databases (gnomAD no frequency). This variant has not been reported in the literature in individuals affected with RASA1-related conditions. ClinVar contains an entry for this variant (Variation ID: 1038627). Algorithms developed to predict the effect of sequence changes on RNA splicing suggest that this variant may create or strengthen a splice site. In summary, the available evidence is currently insufficient to determine the role of this variant in disease. Therefore, it has been classified as a Variant of Uncertain Significance.

NM_002890.3(RASA1):c.453G>T (p.Gly151=)

Gene: RASA1 (RAS p21 protein activator 1; plus strand). Cytogenetic location: 5q14.3.
Variant type: single nucleotide variant.
Coding change: c.453G>T on transcript NM_002890.3 (MANE Select); coding-DNA position 453, G replaced by T.
Protein change: p.Gly151=; no amino-acid change (glycine 151 retained).
Molecular consequence: synonymous variant.
Genome position (GRCh38, 1-based): chr5:87,268,904, G>T. VCF-style: chr5-87268904-G-T. GRCh37 (hg19) VCF-style: chr5-86564721-G-T.
Identifiers: ClinVar variation 1038627 (VCV001038627.9), dbSNP rs778269579, ClinGen allele CA445402391.